The following is an entry in ClinVar:

NM_013247.5(HTRA2):c.235C>A (p.Pro79Thr)

Gene: HTRA2 (HtrA serine peptidase 2; plus strand). Cytogenetic location: 2p13.1.
Variant type: single nucleotide variant.
Coding change: c.235C>A on transcript NM_013247.5 (MANE Select); coding-DNA position 235, C replaced by A.
Protein change: p.Pro79Thr; replaces proline 79 with threonine.
Molecular consequence: missense variant. On other transcripts: non-coding transcript variant (1).
Genome position (GRCh38, 1-based): chr2:74,530,241, C>A. VCF-style: chr2-74530241-C-A. GRCh37 (hg19) VCF-style: chr2-74757368-C-A.
Other names: c.235C>A, p.Pro79Thr (NM_001321727.1, NM_001321728.1, NM_145074.2); short protein forms P79T.
Identifiers: ClinVar variation 1398005 (VCV001398005.7), dbSNP rs2104366203, ClinGen allele CA347377122.

ClinVar aggregate classification (germline): Uncertain significance (1 of 4 stars; one submission).

Submission:

Labcorp Genetics (formerly Invitae), Labcorp
Classification: Uncertain significance. Last evaluated: 2021-06-06. Review status: criteria provided, single submitter. Criteria: Invitae Variant Classification Sherloc (09022015). Collection method: clinical testing. Allele origin: germline.
Comment: In summary, the available evidence is currently insufficient to determine the role of this variant in disease. Therefore, it has been classified as a Variant of Uncertain Significance. Algorithms developed to predict the effect of missense changes on protein structure and function (SIFT, PolyPhen-2, Align-GVGD) all suggest that this variant is likely to be tolerated, but these predictions have not been confirmed by published functional studies and their clinical significance is uncertain. This sequence change replaces proline with threonine at codon 79 of the HTRA2 protein (p.Pro79Thr). The proline residue is weakly conserved and there is a small physicochemical difference between proline and threonine. This variant is not present in population databases (ExAC no frequency). This variant has not been reported in the literature in individuals with HTRA2-related conditions.